The following is an entry in ClinVar:

NM_006361.6(HOXB13):c.726del (p.Lys243fs)

Gene: HOXB13 (homeobox B13; minus strand). Cytogenetic location: 17q21.32.
Variant type: Deletion.
Coding change: c.726del on transcript NM_006361.6 (MANE Select); coding-DNA position 726, one base deleted (C; older notation c.726delC).
Protein change: p.Lys243fs; shifts the reading frame from lysine 243.
Molecular consequence: frameshift variant.
Genome position (GRCh38, 1-based): chr17:48,726,919, G deleted on the plus strand (C on the coding strand, the reverse complement: HOXB13 is on the minus strand); the first of 2 consecutive G bases (chr17:48,726,919-48,726,920); deleting either gives the same sequence. VCF-style (leftmost placement, unchanged base first): chr17-48726918-TG-T. GRCh37 (hg19) VCF-style: chr17-46804280-TG-T.
Other names: c.726delC (NM_006361.5); short protein forms K243fs.
Identifiers: ClinVar variation 483530 (VCV000483530.6), dbSNP rs1555558463, ClinGen allele CA658656693.

ClinVar aggregate classification (germline): Uncertain significance (1 of 4 stars; one submission).

Conditions:
Hereditary cancer-predisposing syndrome. Also called: Neoplastic Syndromes, Hereditary; Hereditary neoplastic syndrome; Hereditary Cancer Syndrome; Tumor predisposition. Identifiers: Orphanet 140162, MedGen C0027672, MeSH D009386, MONDO:0015356.

Submission:

Ambry Genetics
Classification: Uncertain significance for Hereditary cancer-predisposing syndrome. Last evaluated: 2026-07-31. Review status: criteria provided, single submitter. Criteria: Ambry Variant Classification Scheme 2023. Collection method: clinical testing. Allele origin: germline.
Comment: The c.726delC variant, located in coding exon 2 of the HOXB13 gene, results from a deletion of one nucleotide at nucleotide position 726, causing a translational frameshift with a predicted alternate stop codon (p.K243Rfs*36). This variant occurs at the 3' terminus of the gene and is not expected to trigger nonsense-mediated mRNA decay. Based on the available evidence, the clinical significance of this variant remains unclear.